The following is an entry in ClinVar:

ClinVar aggregate classification (germline): Uncertain significance. Review status: criteria provided, multiple submitters, no conflicts (2 of 4 stars). 2 submissions from 2 submitters: Uncertain significance (2). Last evaluated 2023-08-24.

Conditions:
Inborn genetic diseases. Identifiers: MedGen C0950123, MeSH D030342.
Charcot-Marie-Tooth disease axonal type 2F (CMT2F). Also called: Charcot-Marie-Tooth Neuropathy Type 2F; CHARCOT-MARIE-TOOTH DISEASE, NEURONAL, TYPE 2F. Identifiers: Orphanet 99940, MedGen C1847823, MONDO:0011687, OMIM 606595.

Allele frequency attached by ClinVar (database versions not stated): TOPMed below 0.00001.
gnomAD v4.1: 3 of 1,544,270 alleles (0.00019%); highest among the groups gnomAD compares: Non-Finnish European, 0.00017%; no homozygotes.

Submissions (2):

Labcorp Genetics (formerly Invitae), Labcorp
Classification: Uncertain significance for Charcot-Marie-Tooth disease axonal type 2F. Last evaluated: 2023-08-24. Review status: criteria provided, single submitter. Criteria: Invitae Variant Classification Sherloc (09022015). Collection method: clinical testing. Allele origin: germline.
Comment: ClinVar contains an entry for this variant (Variation ID: 971702). This variant has not been reported in the literature in individuals affected with HSPB1-related conditions. This variant is not present in population databases (gnomAD no frequency). This sequence change replaces isoleucine, which is neutral and non-polar, with methionine, which is neutral and non-polar, at codon 88 of the HSPB1 protein (p.Ile88Met). In summary, the available evidence is currently insufficient to determine the role of this variant in disease. Therefore, it has been classified as a Variant of Uncertain Significance. Advanced modeling of protein sequence and biophysical properties (such as structural, functional, and spatial information, amino acid conservation, physicochemical variation, residue mobility, and thermodynamic stability) has been performed at Invitae for this missense variant, however the output from this modeling did not meet the statistical confidence thresholds required to predict the impact of this variant on HSPB1 protein function.

Ambry Genetics
Classification: Uncertain significance for Inborn genetic diseases. Last evaluated: 2021-02-23. Review status: criteria provided, single submitter. Criteria: Ambry Variant Classification Scheme 2023. Collection method: clinical testing. Allele origin: germline.
Comment: The p.I88M variant (also known as c.264C>G), located in coding exon 1 of the HSPB1 gene, results from a C to G substitution at nucleotide position 264. The isoleucine at codon 88 is replaced by methionine, an amino acid with highly similar properties. This amino acid position is highly conserved in available vertebrate species. In addition, the in silico prediction for this alteration is inconclusive. Since supporting evidence is limited at this time, the clinical significance of this alteration remains unclear.

NM_001540.5(HSPB1):c.264C>G (p.Ile88Met)

Gene: HSPB1 (heat shock protein family B (small) member 1; plus strand). Cytogenetic location: 7q11.23.
Variant type: single nucleotide variant.
Coding change: c.264C>G on transcript NM_001540.5 (MANE Select); coding-DNA position 264, C replaced by G.
Protein change: p.Ile88Met; replaces isoleucine 88 with methionine.
Molecular consequence: missense variant.
Genome position (GRCh38, 1-based): chr7:76,302,976, C>G. VCF-style: chr7-76302976-C-G. GRCh37 (hg19) VCF-style: chr7-75932293-C-G.
Other names: short protein forms I88M.
Identifiers: ClinVar variation 971702 (VCV000971702.11), dbSNP rs1803028479, ClinGen allele CA367763228.